The following is an entry in ClinVar:

NM_000362.5(TIMP3):c.499G>C (p.Asp167His)

Genes: SYN3 (synapsin III; minus strand), TIMP3 (TIMP metallopeptidase inhibitor 3; plus strand). Cytogenetic location: 22q12.3.
Variant type: single nucleotide variant.
Coding change: c.499G>C on transcript NM_000362.5 (MANE Select); coding-DNA position 499, G replaced by C.
Protein change: p.Asp167His; replaces aspartic acid 167 with histidine.
Molecular consequence: missense variant. On other transcripts: intron variant (7).
Genome position (GRCh38, 1-based): chr22:32,859,240, G>C. VCF-style: chr22-32859240-G-C. GRCh37 (hg19) VCF-style: chr22-33255227-G-C.
Other names: c.708+5675C>G (NM_001369909.1, NM_001135774.2, NM_001369910.1); c.711+5675C>G (NM_001369907.1, NM_003490.4, NM_001369908.1 and 1 more transcripts); short protein forms D167H.
Identifiers: ClinVar variation 4886242 (VCV004886242.2).

ClinVar aggregate classification (germline): Uncertain significance (1 of 4 stars; one submission).

Submission:

Dasa
Classification: Uncertain significance. Last evaluated: 2025-07-08. Review status: criteria provided, single submitter. Criteria: DASA Assertion Criteria. Collection method: clinical testing. Allele origin: germline.
Comment: NM_000362.5(TIMP3):c.499G>C (p.Asp167His) is a missense variant that results in the substitution of aspartic acid with histidine. This variant is absent from population databases. Computational prediction algorithms are consistent with a deleterious effect. The currently available literature and clinical evidence are not sufficient to establish a definitive association between this variant and the reported condition. Therefore, this variant is classified as a variant of uncertain significance.